The following is an entry in ClinVar:

NM_012238.5(SIRT1):c.58G>A (p.Ala20Thr)

Genes: SIRT1 (sirtuin 1; plus strand), LOC107832851 (SIRT1 promoter region; plus strand). Cytogenetic location: 10q21.3.
Variant type: single nucleotide variant.
Coding change: c.58G>A on transcript NM_012238.5 (MANE Select); coding-DNA position 58, G replaced by A.
Protein change: p.Ala20Thr; replaces alanine 20 with threonine.
Molecular consequence: missense variant.
Genome position (GRCh38, 1-based): chr10:67,884,779, G>A. VCF-style: chr10-67884779-G-A. GRCh37 (hg19) VCF-style: chr10-69644537-G-A.
Other names: short protein forms A20T.
Identifiers: ClinVar variation 3715035 (VCV003715035.2).
Genomic context (GRCh38, chr10:67,884,779, plus strand): 5'-AAGATGGCGGACGAGGCGGCCCTCGCCCTTCAGCCCGGCGGCTCCCCCTCGGCGGCGGGG[G>A]CCGACAGGGAGGCCGCGTCGTCCCCCGCCGGGGAGCCGCTCCGCAAGAGGCCGCGGAGAG-3'
Protein context (NP_036370.2, residues 10-30): QPGGSPSAAG[Ala20Thr]DREAASSPAG

ClinVar aggregate classification (germline): Uncertain significance (1 of 4 stars; one submission).

gnomAD v4.1: 2 of 1,226,800 alleles (0.00016%); highest among the groups gnomAD compares: Non-Finnish European, 0.0002%; no homozygotes.

Submission:

Labcorp Genetics (formerly Invitae), Labcorp
Classification: Uncertain significance. Last evaluated: 2025-03-27. Review status: criteria provided, single submitter. Criteria: Invitae Variant Classification Sherloc (09022015). Collection method: clinical testing. Allele origin: germline.
Comment: This sequence change replaces alanine, which is neutral and non-polar, with threonine, which is neutral and polar, at codon 20 of the SIRT1 protein (p.Ala20Thr). This variant is not present in population databases (gnomAD no frequency). This variant has not been reported in the literature in individuals affected with SIRT1-related conditions. An algorithm developed to predict the effect of missense changes on protein structure and function (PolyPhen-2) suggests that this variant is likely to be disruptive. In summary, the available evidence is currently insufficient to determine the role of this variant in disease. Therefore, it has been classified as a Variant of Uncertain Significance.